The following is an entry in ClinVar:

NM_015404.4(WHRN):c.2032G>A (p.Gly678Ser)

Gene: WHRN (whirlin; minus strand). Cytogenetic location: 9q32.
Variant type: single nucleotide variant.
Coding change: c.2032G>A on transcript NM_015404.4 (MANE Select); coding-DNA position 2032, G replaced by A.
Protein change: p.Gly678Ser; replaces glycine 678 with serine.
Molecular consequence: missense variant.
Genome position (GRCh38, 1-based): chr9:114,406,559, C>T on the plus strand (G>A on the coding strand, the complement: WHRN is on the minus strand). VCF-style: chr9-114406559-C-T. GRCh37 (hg19) VCF-style: chr9-117168839-C-T.
Other names: c.883G>A, p.Gly295Ser (NM_001083885.3); c.2032G>A, p.Gly678Ser (NM_001173425.2); c.979G>A, p.Gly327Ser (NM_001346890.1); short protein forms G327S, G295S, G678S.
Identifiers: ClinVar variation 1483938 (VCV001483938.6), dbSNP rs200037348, ClinGen allele CA5205750.

ClinVar aggregate classification (germline): Uncertain significance. Review status: criteria provided, multiple submitters, no conflicts (2 of 4 stars). 2 submissions from 2 submitters: Uncertain significance (2). Last evaluated 2023-10-04.

Allele frequency attached by ClinVar (database versions not stated): TOPMed below 0.00001; gnomAD 0.00001; ExAC 0.00002; ESP Exome Variant Server 0.00008; 1000 Genomes Project 0.00020; 1000 Genomes Project 30x 0.00031.
gnomAD v4.1: 5 of 1,611,954 alleles (0.00031%); highest among the groups gnomAD compares: East Asian, 0.0045%; no homozygotes.

Submissions (2):

Blueprint Genetics
Classification: Uncertain significance. Last evaluated: 2023-10-04. Review status: criteria provided, single submitter. Criteria: ACMG Guidelines, 2015. Collection method: clinical testing. Allele origin: germline.

Labcorp Genetics (formerly Invitae), Labcorp
Classification: Uncertain significance. Last evaluated: 2022-03-02. Review status: criteria provided, single submitter. Criteria: Invitae Variant Classification Sherloc (09022015). Collection method: clinical testing. Allele origin: germline.
Comment: This sequence change replaces glycine, which is neutral and non-polar, with serine, which is neutral and polar, at codon 678 of the WHRN protein (p.Gly678Ser). This variant is present in population databases (rs200037348, gnomAD 0.003%). This variant has not been reported in the literature in individuals affected with WHRN-related conditions. Algorithms developed to predict the effect of missense changes on protein structure and function (SIFT, PolyPhen-2, Align-GVGD) all suggest that this variant is likely to be tolerated. In summary, the available evidence is currently insufficient to determine the role of this variant in disease. Therefore, it has been classified as a Variant of Uncertain Significance.